The following is an entry in ClinVar:

NM_001111067.4(ACVR1):c.-53C>T

Gene: ACVR1 (activin A receptor type 1; minus strand). Cytogenetic location: 2q24.1.
Variant type: single nucleotide variant.
Coding change: c.-53C>T on transcript NM_001111067.4 (MANE Select); 53 bases upstream of the start codon, C replaced by T.
Molecular consequence: 5 prime UTR variant.
Genome position (GRCh38, 1-based): chr2:157,818,430, G>A on the plus strand (C>T on the coding strand, the complement: ACVR1 is on the minus strand). VCF-style: chr2-157818430-G-A. GRCh37 (hg19) VCF-style: chr2-158674942-G-A.
Other names: c.-53C>T (NM_001105.5, NM_001347663.1, NM_001347664.1 and 3 more transcripts).
Identifiers: ClinVar variation 331701 (VCV000331701.5), dbSNP rs73966130, ClinGen allele CA10612388.
Genomic context (GRCh38, chr2:157,818,430, plus strand): 5'-AGCTTACTCAGCTACCTTAATGCAGGCTCTTGGTCACATCTGCCCACAGTCCTTCAAGCC[G>A]CGTGCCCTCGTTCAGAGCTTCTCTCACTCTGGTCACTGGGGTACTCGGAGAGTAGAAGAG-3'

ClinVar aggregate classification (germline): Benign (1 of 4 stars; one submission).

Conditions:
Progressive myositis ossificans (FOP). Also called: Myositis ossificans progressiva; Progressive ossifying myositis; Fibrodysplasia Ossificans Progressiva. Identifiers: Orphanet 337, MedGen C0016037, MONDO:0007606, OMIM 135100.

Allele frequency attached by ClinVar (database versions not stated): gnomAD 0.04170 and 0.04478; 1000 Genomes Project 0.04533; TOPMed 0.04713; 1000 Genomes Project 30x 0.04966.

Submission:

Illumina Laboratory Services, Illumina
Classification: Benign for Progressive myositis ossificans. Last evaluated: 2018-01-12. Review status: criteria provided, single submitter. Criteria: ICSL Variant Classification Criteria 13 December 2019. Collection method: clinical testing. Allele origin: germline.
Comment: This variant was observed in the ICSL laboratory as part of a predisposition screen in an ostensibly healthy population. It had not been previously curated by ICSL or reported in the Human Gene Mutation Database (HGMD: prior to June 1st, 2018), and was therefore a candidate for classification through an automated scoring system. Utilizing variant allele frequency, disease prevalence and penetrance estimates, and inheritance mode, an automated score was calculated to assess if this variant is too frequent to cause the disease. Based on the score and internal cut-off values, a variant classified as benign is not then subjected to further curation. The score for this variant resulted in a classification of benign for this disease.